The following is an entry in ClinVar:

ClinVar aggregate classification (germline): Pathogenic. Review status: criteria provided, multiple submitters, no conflicts (2 of 4 stars). 9 submissions from 9 submitters: Pathogenic (8). 1 of the submissions does not count toward it. Last evaluated 2026-05-01.

Conditions:
GRN-related disorder. Also called: GRN-related condition; GRN-related disorders.
GRN-related frontotemporal lobar degeneration with Tdp43 inclusions (FTD2). Also called: FRONTOTEMPORAL LOBAR DEGENERATION WITH UBIQUITIN-POSITIVE INCLUSIONS; FTLD-TDP, GRN-RELATED; DEMENTIA, HEREDITARY DYSPHASIC DISINHIBITION; FRONTOTEMPORAL DEMENTIA WITH TDP43 INCLUSIONS, GRN-RELATED; GRN Frontotemporal Dementia. Identifiers: Orphanet 100070, Orphanet 282, MedGen C1843792, MONDO:0011842, OMIM 607485. Disease mechanism: loss of function.
Neuronal ceroid lipofuscinosis 11. Also called: GRN-Related Neuronal Ceroid-Lipofuscinosis. Identifiers: Orphanet 314629, Orphanet 79262, MedGen C3539123, MONDO:0013866, OMIM 614706.
Frontotemporal dementia (FTD1). Also called: FRONTOTEMPORAL LOBAR DEGENERATION WITH TAU INCLUSIONS; FTLD WITH TAU INCLUSIONS; FRONTOTEMPORAL DEMENTIA WITH PARKINSONISM; FRONTOTEMPORAL LOBE DEMENTIA; Frontotemporal lobe dementia (FLDEM); WILHELMSEN-LYNCH DISEASE. Identifiers: Orphanet 282, MedGen C0338451, MONDO:0017276, OMIM 600274, HP:0002145.

Allele frequency attached by ClinVar (database versions not stated): gnomAD 0.00001; TOPMed 0.00001; ESP Exome Variant Server 0.00008.
gnomAD v4.1: 8 of 1,604,178 alleles (0.0005%); highest among the groups gnomAD compares: Admixed American, 0.0017%; no homozygotes.

Submissions (9):

CeGaT Center for Human Genetics Tuebingen
Classification: Pathogenic. Last evaluated: 2026-05-01. Review status: criteria provided, single submitter. Criteria: CeGaT Center For Human Genetics Tuebingen Variant Classification Criteria Version 2. Collection method: clinical testing. Allele origin: germline. Affected: yes. Observed: 2 variant alleles.
Comment: GRN: PVS1, PS1, PM2, PS4:Moderate

GeneDx
Classification: Pathogenic. Last evaluated: 2026-04-14. Review status: criteria provided, single submitter. Criteria: GeneDx Variant Classification Process June 2021. Collection method: clinical testing. Allele origin: germline.
Comment: Canonical splice site variant predicted to result in a null allele in a gene for which loss of function is a known mechanism of disease; This variant is associated with the following publications: (PMID: 25525159, 37120788, 23463024, 17030534, 30992141, 31914217, 28430294, 30054184, 28749476, 35752680)

Labcorp Genetics (formerly Invitae), Labcorp
Classification: Pathogenic for Neuronal ceroid lipofuscinosis 11; GRN-related frontotemporal lobar degeneration with Tdp43 inclusions. Last evaluated: 2026-01-12. Review status: criteria provided, single submitter. Criteria: Invitae Variant Classification Sherloc (09022015). Collection method: clinical testing. Allele origin: germline.
Comment: This sequence change affects a donor splice site in intron 7 of the GRN gene. It is expected to disrupt RNA splicing. Variants that disrupt the donor or acceptor splice site typically lead to a loss of protein function (PMID: 16199547), and loss-of-function variants in GRN are known to be pathogenic (PMID: 16862116, 16950801, 22608501). This variant is present in population databases (rs63749817, gnomAD 0.009%). Disruption of this splice site has been observed in individuals with clinical features of frontotemporal dementia (PMID: 17030534, 23463024, 28430294, 28749476, 30054184, 30992141). ClinVar contains an entry for this variant (Variation ID: 203460). Algorithms developed to predict the effect of sequence changes on RNA splicing suggest that this variant may disrupt the consensus splice site. For these reasons, this variant has been classified as Pathogenic.

PreventionGenetics, part of Exact Sciences
Classification: Pathogenic for GRN-related condition. Last evaluated: 2025-06-24. Review status: criteria provided, single submitter. Criteria: ACMG Guidelines, 2015. Collection method: clinical testing. Allele origin: germline.
Comment: The GRN c.708+1G>A variant is predicted to disrupt the GT donor site and interfere with normal splicing. This variant has been reported in individuals with frontotemporal dementia (FTD, Blauwendraat et al. 2018. PubMed ID: 28749476; Öijerstedt et al. 2019. PubMed ID: 30992141; Agarwal et al. 2023. PubMed ID: 38022440) and has been noted to segregate with the disorder in one family (Masellis et al. 2006. PubMed ID: 17030534). In silico predictions suggest that this variant abolishes the GT donor site resulting in exon skipping (Chiang et al. 2013. PubMed ID: 23463024; Walczysková et al. 2017. PubMed ID: 28430294). This variant is reported in 0.0093% of alleles in individuals of European (Finnish) descent in gnomAD. An alternate variant (c.708+1G>C) is predicted to abolish the same GT donor site and has been reported in individuals with FTD (Bit-Ivan et al. 2014. PubMed ID: 24709683; Khani et al. 2024. PubMed ID: 39606324). Variants that disrupt the consensus splice donor site in GRN are expected to be pathogenic and this variant has been consistently classified as pathogenic in ClinVar. The c.708+1G>A variant is interpreted as pathogenic.

Institute of Human Genetics, University of Leipzig Medical Center
Classification: Pathogenic for GRN-related frontotemporal lobar degeneration with Tdp43 inclusions. Last evaluated: 2025-03-04. Review status: criteria provided, single submitter. Criteria: ACMG Guidelines, 2015. Collection method: clinical testing. Allele origin: unknown. Inheritance: Autosomal dominant inheritance. Affected: yes.
Comment: Criteria applied: PVS1,PS1,PS4_MOD

Revvity Omics, Revvity
Classification: Pathogenic. Last evaluated: 2021-11-21. Review status: criteria provided, single submitter. Criteria: ACMG Guidelines, 2015. Collection method: clinical testing. Allele origin: germline.

Institute of Human Genetics Munich, TUM University Hospital
Classification: Pathogenic for GRN-related frontotemporal lobar degeneration with Tdp43 inclusions. Last evaluated: 2019-06-07. Review status: criteria provided, single submitter. Criteria: Classification criteria August 2017. Collection method: clinical testing. Allele origin: germline. Inheritance: Autosomal dominant inheritance. Affected: yes. Observed: 1 heterozygote.

Center of Genomic medicine, Geneva, University Hospital of Geneva
Classification: Pathogenic for GRN-related frontotemporal lobar degeneration with Tdp43 inclusions. Last evaluated: 2017-02-06. Review status: criteria provided, single submitter. Criteria: ACMG Guidelines, 2015. Collection method: clinical testing. Allele origin: germline. Affected: yes.

Translational Genetics in Neurodegenerative disease, Karolinska Institutet
Classification: Pathogenic for Frontotemporal dementia. Review status: no assertion criteria provided. Collection method: research. Allele origin: germline. Affected: yes. Not counted in ClinVar's aggregate classification.

Literature cited by the submitters: PubMed 16199547 (cited by Labcorp Genetics (formerly Invitae), Labcorp); PubMed 16862116 (cited by Labcorp Genetics (formerly Invitae), Labcorp); PubMed 16950801 (cited by Labcorp Genetics (formerly Invitae), Labcorp); PubMed 22608501 (cited by Labcorp Genetics (formerly Invitae), Labcorp); PubMed 17030534 (cited by Labcorp Genetics (formerly Invitae), Labcorp); PubMed 23463024 (cited by Labcorp Genetics (formerly Invitae), Labcorp and Translational Genetics in Neurodegenerative disease, Karolinska Institutet); PubMed 28430294 (cited by Labcorp Genetics (formerly Invitae), Labcorp); PubMed 28749476 (cited by Labcorp Genetics (formerly Invitae), Labcorp); PubMed 30054184 (cited by Labcorp Genetics (formerly Invitae), Labcorp); PubMed 30992141 (cited by Labcorp Genetics (formerly Invitae), Labcorp).

NM_002087.4(GRN):c.708+1G>A

Genes: GRN (granulin precursor; plus strand), LOC125177489 (Sharpr-MPRA regulatory region 15390; plus strand). Cytogenetic location: 17q21.31.
Variant type: single nucleotide variant.
Coding change: c.708+1G>A on transcript NM_002087.4 (MANE Select); the canonical splice donor site of the intron after coding-DNA position 708, G replaced by A.
Molecular consequence: splice donor variant.
Genome position (GRCh38, 1-based): chr17:44,350,801, G>A. VCF-style: chr17-44350801-G-A. GRCh37 (hg19) VCF-style: chr17-42428169-G-A.
Identifiers: ClinVar variation 203460 (VCV000203460.55), dbSNP rs63749817, ClinGen allele CA275539.
Genomic context (GRCh38, chr17:44,350,801, plus strand): 5'-GATGGTTCTACCTGCTGTGAGCTGCCCAGTGGGAAGTATGGCTGCTGCCCAATGCCCAAC[G>A]TGAGTGAGGGGCTGGAGCCAGCTTGGCTGTGTGCCCCCAGCCACCTGGCCCTGACACGCA-3'